The following is an entry in ClinVar:

NM_031407.7(HUWE1):c.4787C>T (p.Thr1596Ile)

Gene: HUWE1 (HECT, UBA and WWE domain containing E3 ubiquitin protein ligase 1; minus strand). Cytogenetic location: Xp11.22.
Variant type: single nucleotide variant.
Coding change: c.4787C>T on transcript NM_031407.7 (MANE Select); coding-DNA position 4787, C replaced by T.
Protein change: p.Thr1596Ile; replaces threonine 1596 with isoleucine.
Molecular consequence: missense variant.
Genome position (GRCh38, 1-based): chrX:53,586,527, G>A on the plus strand (C>T on the coding strand, the complement: HUWE1 is on the minus strand). VCF-style: chrX-53586527-G-A. GRCh37 (hg19) VCF-style: chrX-53613487-G-A.
Other names: short protein forms T1596I.
Identifiers: ClinVar variation 2504260 (VCV002504260.2), dbSNP rs2525709422, ClinGen allele CA413175437.

ClinVar aggregate classification (germline): Uncertain significance (1 of 4 stars; one submission).

Submission:

GeneDx
Classification: Uncertain significance. Last evaluated: 2025-08-27. Review status: criteria provided, single submitter. Criteria: GeneDx Variant Classification Process June 2021. Collection method: clinical testing. Allele origin: germline. Affected: yes.
Comment: Not observed at significant frequency in large population cohorts (gnomAD); In silico analysis suggests that this missense variant does not alter protein structure/function; Has not been previously published as pathogenic or benign to our knowledge